The following is an entry in ClinVar:

NM_001292063.2(OTOG):c.7229G>T (p.Arg2410Leu)

Gene: OTOG (otogelin; plus strand). Cytogenetic location: 11p15.1.
Variant type: single nucleotide variant.
Coding change: c.7229G>T on transcript NM_001292063.2 (MANE Select); coding-DNA position 7229, G replaced by T.
Protein change: p.Arg2410Leu; replaces arginine 2410 with leucine.
Molecular consequence: missense variant.
Genome position (GRCh38, 1-based): chr11:17,633,836, G>T. VCF-style: chr11-17633836-G-T. GRCh37 (hg19) VCF-style: chr11-17655383-G-T.
Other names: c.7265G>T, p.Arg2422Leu (NM_001277269.2); short protein forms R2410L, R2422L.
Identifiers: ClinVar variation 4540050 (VCV004540050.1).

ClinVar aggregate classification (germline): Uncertain significance (1 of 4 stars; one submission).

Submission:

GeneDx
Classification: Uncertain significance. Last evaluated: 2025-06-25. Review status: criteria provided, single submitter. Criteria: GeneDx Variant Classification Process June 2021. Collection method: clinical testing. Allele origin: germline. Affected: yes.
Comment: Not observed at significant frequency in large population cohorts (gnomAD); In silico analysis supports that this missense variant has a deleterious effect on protein structure/function; Has not been previously published as pathogenic or benign to our knowledge